The following is an entry in ClinVar:

ClinVar aggregate classification (germline): Uncertain significance (1 of 4 stars; one submission).

Allele frequency attached by ClinVar (database versions not stated): gnomAD exomes below 0.00001 and 0.00001; TOPMed below 0.00001; ExAC 0.00001; gnomAD 0.00001.
gnomAD v4.1: 2 of 1,613,902 alleles (0.00012%); highest among the groups gnomAD compares: Admixed American, 0.0033%; no homozygotes.

Submission:

Labcorp Genetics (formerly Invitae), Labcorp
Classification: Uncertain significance. Last evaluated: 2022-09-23. Review status: criteria provided, single submitter. Criteria: Invitae Variant Classification Sherloc (09022015). Collection method: clinical testing. Allele origin: germline.
Comment: In summary, the available evidence is currently insufficient to determine the role of this variant in disease. Therefore, it has been classified as a Variant of Uncertain Significance. Algorithms developed to predict the effect of sequence changes on RNA splicing suggest that this variant may create or strengthen a splice site. Algorithms developed to predict the effect of missense changes on protein structure and function output the following: SIFT: "Deleterious"; PolyPhen-2: "Benign"; Align-GVGD: "Class C25". The threonine amino acid residue is found in multiple mammalian species, which suggests that this missense change does not adversely affect protein function. ClinVar contains an entry for this variant (Variation ID: 1383640). This variant has not been reported in the literature in individuals affected with VCAN-related conditions. This variant is present in population databases (rs750685287, gnomAD 0.003%). This sequence change replaces isoleucine, which is neutral and non-polar, with threonine, which is neutral and polar, at codon 2092 of the VCAN protein (p.Ile2092Thr).

NM_004385.5(VCAN):c.6275T>C (p.Ile2092Thr)

Genes: VCAN (versican; plus strand), VCAN-AS1 (VCAN antisense RNA 1; minus strand). Cytogenetic location: 5q14.3.
Variant type: single nucleotide variant.
Coding change: c.6275T>C on transcript NM_004385.5 (MANE Select); coding-DNA position 6275, T replaced by C.
Protein change: p.Ile2092Thr; replaces isoleucine 2092 with threonine.
Molecular consequence: missense variant. On other transcripts: intron variant (2).
Genome position (GRCh38, 1-based): chr5:83,539,278, T>C. VCF-style: chr5-83539278-T-C. GRCh37 (hg19) VCF-style: chr5-82835097-T-C.
Other names: c.3314T>C, p.Ile1105Thr (NM_001164097.2); c.4004-6259T>C (NM_001164098.2); c.1043-6259T>C (NM_001126336.3); short protein forms I2092T, I1105T.
Identifiers: ClinVar variation 1383640 (VCV001383640.6), dbSNP rs750685287, ClinGen allele CA3333465.